The following is an entry in ClinVar:

ClinVar aggregate classification (germline): Pathogenic (1 of 4 stars; one submission).

Submission:

Quest Diagnostics Nichols Institute San Juan Capistrano
Classification: Pathogenic. Last evaluated: 2023-08-01. Review status: criteria provided, single submitter. Criteria: ACMG/ClinGen CNV Guidelines, 2019. Collection method: clinical testing. Allele origin: unknown.
Comment: This loss involves several protein-coding genes, including multiple genes for which haploinsufficiency has been established: KDM6A (OMIM 300128; ISCA-25616; Van Laarhoven 2015, Faundes 2021), RP2 (OMIM 300757; ISCA-18798; Saeed 2023), and SYN1 (OMIM 313440; ISCA-32275; Ren 2024). Thus, based on gene content and current medical literature, this copy number variant (CNV) is classified as pathogenic. References: Faundes et al., Genet Med. 2021 Jul;23(7):1202-1210. PMID: 33674768; Ren et al., Front Neurol. 2024 Mar 21:15:1359287. PMID: 38576531; Saeed et al., Eye (Lond). 2023 Feb;37(2):350-355. PMID: 35094030; Van Laarhoven et al., Hum Mol Genet. 2015 Aug 1;24(15):4443-53. PMID: 25972376

GRCh37/hg19 Xp11.3-11.23(chrX:44182604-47607117)x1

Genes: ARAF (A-Raf proto-oncogene, serine/threonine kinase; plus strand), CDK16 (cyclin dependent kinase 16; plus strand), CFP (complement factor properdin; minus strand), CHST7 (carbohydrate sulfotransferase 7; plus strand), DIPK2B (divergent protein kinase domain 2B; minus strand) and 24 more. Cytogenetic location: Xp11.3-11.23.
Variant type: copy number loss.
Change: copy number 1 of chrX:44,182,604-47,607,117 (3.42 Mb, GRCh37 coordinates, 1-based), cytogenetic band Xp11.3-11.23.
Identifiers: ClinVar variation 3391953 (VCV003391953.1).